The following is an entry in ClinVar:

NM_000748.3(CHRNB2):c.140G>A (p.Arg47His)

Gene: CHRNB2 (cholinergic receptor nicotinic beta 2 subunit; plus strand). Cytogenetic location: 1q21.3.
Variant type: single nucleotide variant.
Coding change: c.140G>A on transcript NM_000748.3 (MANE Select); coding-DNA position 140, G replaced by A.
Protein change: p.Arg47His; replaces arginine 47 with histidine.
Molecular consequence: missense variant.
Genome position (GRCh38, 1-based): chr1:154,569,537, G>A. VCF-style: chr1-154569537-G-A. GRCh37 (hg19) VCF-style: chr1-154542013-G-A.
Other names: p.R47H:CGC>CAC; short protein forms R47H.
Identifiers: ClinVar variation 205062 (VCV000205062.47), dbSNP rs769249583, ClinGen allele CA313641.

ClinVar aggregate classification (germline): Uncertain significance. Review status: criteria provided, multiple submitters, no conflicts (2 of 4 stars). 4 submissions from 4 submitters: Uncertain significance (4). Last evaluated 2024-10-24.

Conditions:
Familial sleep-related hypermotor epilepsy. Also called: Autosomal Dominant Sleep-Related Hypermotor (Hyperkinetic) Epilepsy. Identifiers: Orphanet 98784, MedGen C3696898, MONDO:0000030.
Autosomal dominant nocturnal frontal lobe epilepsy 3. Also called: CHRNB2-Related Nocturnal Frontal Lobe Epilepsy, Autosomal Dominant. Identifiers: Orphanet 98784, MedGen C1854335, MONDO:0011545, OMIM 605375.

Allele frequency attached by ClinVar (database versions not stated): gnomAD exomes below 0.00001 and 0.00001; ExAC 0.00002.

Submissions (4):

Labcorp Genetics (formerly Invitae), Labcorp
Classification: Uncertain significance. Last evaluated: 2024-10-24. Review status: criteria provided, single submitter. Criteria: Invitae Variant Classification Sherloc (09022015). Collection method: clinical testing. Allele origin: germline.
Comment: This sequence change replaces arginine, which is basic and polar, with histidine, which is basic and polar, at codon 47 of the CHRNB2 protein (p.Arg47His). This variant is present in population databases (rs769249583, gnomAD 0.003%). This variant has not been reported in the literature in individuals affected with CHRNB2-related conditions. ClinVar contains an entry for this variant (Variation ID: 205062). Invitae Evidence Modeling of protein sequence and biophysical properties (such as structural, functional, and spatial information, amino acid conservation, physicochemical variation, residue mobility, and thermodynamic stability) indicates that this missense variant is expected to disrupt CHRNB2 protein function with a positive predictive value of 80%. In summary, the available evidence is currently insufficient to determine the role of this variant in disease. Therefore, it has been classified as a Variant of Uncertain Significance.

Fulgent Genetics
Classification: Uncertain significance for Autosomal dominant nocturnal frontal lobe epilepsy 3. Last evaluated: 2022-05-18. Review status: criteria provided, single submitter. Criteria: ACMG Guidelines, 2015. Collection method: clinical testing. Allele origin: unknown.

CeGaT Center for Human Genetics Tuebingen
Classification: Uncertain significance. Last evaluated: 2018-07-01. Review status: criteria provided, single submitter. Criteria: CeGaT Center For Human Genetics Tuebingen Variant Classification Criteria Version 2. Collection method: clinical testing. Allele origin: germline. Affected: yes. Observed: 1 variant allele.

GeneDx
Classification: Uncertain significance. Last evaluated: 2012-12-31. Review status: criteria provided, single submitter. Criteria: GeneDx Variant Classification (06012015). Collection method: clinical testing. Allele origin: germline. Affected: yes.
Comment: p.Arg47His (CGC>CAC): c.140 G>A in exon 2 of the CHRNB2 gene (NM_000748.2). The Arg47His missense change has not been published as a mutation, nor has it been reported as a benign polymorphism to our knowledge. The NHLBI ESP Exome Variant Project has not identified Arg47His in approximately 6,500 individuals of European or African American ethnicity, indicating that it is not a common benign variant in these populations. Arg47His alters a conserved position in the CHRNB2 protein and multiple in silico algorithms predict it may be damaging to the structure/function of the protein. However, the the Arg47His substitution does not occur within a transmembrane region of the protein, where most pathogenic CHRNB2 mutations have been identified (Steinlein et al., 2010; Steinlein et al., 2012). In addition, the amino acid substitution is conservative as both Arginine and Histidine are positively charged amino acid residues. Therefore, based on the currently available information, it is unclear whether Arg47His is a disease-causing mutation or a rare benign variant. The variant is found in EPILEPSY panel(s).